The following is an entry in ClinVar:

ClinVar aggregate classification (germline): Uncertain significance. Review status: criteria provided, multiple submitters, no conflicts (2 of 4 stars). 2 submissions from 2 submitters: Uncertain significance (2). Last evaluated 2025-11-10.

Conditions:
Hereditary nonpolyposis colorectal neoplasms. Identifiers: MedGen C0009405, MeSH D003123.
Hereditary cancer-predisposing syndrome. Also called: Hereditary neoplastic syndrome; Neoplastic Syndromes, Hereditary; Tumor predisposition; Hereditary Cancer Syndrome. Identifiers: Orphanet 140162, MedGen C0027672, MeSH D009386, MONDO:0015356.

Submissions (2):

Labcorp Genetics (formerly Invitae), Labcorp
Classification: Uncertain significance for Hereditary nonpolyposis colorectal neoplasms. Last evaluated: 2025-11-10. Review status: criteria provided, single submitter. Criteria: Invitae Variant Classification Sherloc (09022015). Collection method: clinical testing. Allele origin: germline.
Comment: This variant, c.3552_3554del, is a complex sequence change that results in the deletion of 2 and insertion of 1 amino acid(s) in the MSH6 protein (p.Met1184_Ser1185delinsIle). This variant is not present in population databases (gnomAD no frequency). This variant has not been reported in the literature in individuals affected with MSH6-related conditions. ClinVar contains an entry for this variant (Variation ID: 1006973). Experimental studies and prediction algorithms are not available or were not evaluated, and the functional significance of this variant is currently unknown. In summary, the available evidence is currently insufficient to determine the role of this variant in disease. Therefore, it has been classified as a Variant of Uncertain Significance.

Color Diagnostics, LLC DBA Color Health
Classification: Uncertain significance for Hereditary cancer-predisposing syndrome. Last evaluated: 2025-07-02. Review status: criteria provided, single submitter. Criteria: ACMG Guidelines, 2015. Collection method: clinical testing. Allele origin: germline.
Comment: This variant replaces two amino acids at codons 1184-1185 with isoleucine in exon 6 of the MSH6 protein. To our knowledge, functional studies have not been reported for this variant. This variant has not been reported in individuals affected with MSH6-related disorders in the literature. This variant has not been identified in the general population by the Genome Aggregation Database (gnomAD). The available evidence is insufficient to determine the role of this variant in disease conclusively. Therefore, this variant is classified as a Variant of Uncertain Significance.

NM_000179.3(MSH6):c.3552_3554del (p.Met1184_Ser1185delinsIle)

Gene: MSH6 (mutS homolog 6; plus strand). Cytogenetic location: 2p16.3.
Variant type: Deletion.
Coding change: c.3552_3554del on transcript NM_000179.3 (MANE Select); coding-DNA positions 3552 to 3554, 3 bases deleted (GTC; older notation c.3552_3554delGTC).
Protein change: p.Met1184_Ser1185delinsIle.
Molecular consequence: inframe indel.
Genome position (GRCh38, 1-based): chr2:47,805,023-47,805,025, GTC deleted. VCF-style (leftmost placement, unchanged base first): chr2-47805022-TGTC-T. GRCh37 (hg19) VCF-style: chr2-48032161-TGTC-T.
Other names: c.3162_3164del, p.Met1054_Ser1055delinsIle (NM_001281492.2); c.2646_2648del, p.Met882_Ser883delinsIle (NM_001281493.2, NM_001281494.2).
Identifiers: ClinVar variation 1006973 (VCV001006973.9), dbSNP rs1669881014, ClinGen allele CA2496052963.